The following is an entry in ClinVar:

ClinVar aggregate classification (germline): Uncertain significance. Review status: criteria provided, multiple submitters, no conflicts (2 of 4 stars). 4 submissions from 3 submitters: Uncertain significance (4). Last evaluated 2025-05-17.

Conditions:
Inborn genetic diseases. Identifiers: MedGen C0950123, MeSH D030342.
Familial cutaneous telangiectasia and oropharyngeal predisposition cancer syndrome. Identifiers: Orphanet 313846, MedGen C3281203, MONDO:0013806, OMIM 614564.
Seckel syndrome 1 (SCKL1). Also called: MICROCEPHALIC PRIMORDIAL DWARFISM I. Identifiers: Orphanet 808, MedGen C4551474, MONDO:0008869, OMIM 210600.

Allele frequency attached by ClinVar (database versions not stated): TOPMed below 0.00001.

Submissions (4):

Ambry Genetics
Classification: Uncertain significance for Inborn genetic diseases. Last evaluated: 2025-05-17. Review status: criteria provided, single submitter. Criteria: Ambry Variant Classification Scheme 2023. Collection method: clinical testing. Allele origin: germline.

Genome-Nilou Lab
Classification: Uncertain significance for Seckel syndrome 1. Last evaluated: 2023-02-08. Review status: criteria provided, single submitter. Criteria: ACMG Guidelines, 2015. Collection method: clinical testing. Allele origin: germline.

Genome-Nilou Lab
Classification: Uncertain significance for Familial cutaneous telangiectasia and oropharyngeal predisposition cancer syndrome. Last evaluated: 2023-02-08. Review status: criteria provided, single submitter. Criteria: ACMG Guidelines, 2015. Collection method: clinical testing. Allele origin: germline.

Labcorp Genetics (formerly Invitae), Labcorp
Classification: Uncertain significance. Last evaluated: 2022-06-13. Review status: criteria provided, single submitter. Criteria: Invitae Variant Classification Sherloc (09022015). Collection method: clinical testing. Allele origin: germline.
Comment: This sequence change replaces methionine, which is neutral and non-polar, with leucine, which is neutral and non-polar, at codon 283 of the ATR protein (p.Met283Leu). This variant is not present in population databases (gnomAD no frequency). This variant has not been reported in the literature in individuals affected with ATR-related conditions. Algorithms developed to predict the effect of missense changes on protein structure and function (SIFT, PolyPhen-2, Align-GVGD) all suggest that this variant is likely to be tolerated. In summary, the available evidence is currently insufficient to determine the role of this variant in disease. Therefore, it has been classified as a Variant of Uncertain Significance.

NM_001184.4(ATR):c.847A>C (p.Met283Leu)

Gene: ATR (ATR checkpoint kinase; minus strand). Cytogenetic location: 3q23.
Variant type: single nucleotide variant.
Coding change: c.847A>C on transcript NM_001184.4 (MANE Select); coding-DNA position 847, A replaced by C.
Protein change: p.Met283Leu; replaces methionine 283 with leucine.
Molecular consequence: missense variant.
Genome position (GRCh38, 1-based): chr3:142,562,555, T>G on the plus strand (A>C on the coding strand, the complement: ATR is on the minus strand). VCF-style: chr3-142562555-T-G. GRCh37 (hg19) VCF-style: chr3-142281397-T-G.
Other names: c.847A>C, p.Met283Leu (NM_001354579.2); short protein forms M283L.
Identifiers: ClinVar variation 1475779 (VCV001475779.12), dbSNP rs1559998542, ClinGen allele CA354825272.